The following is an entry in ClinVar:

NM_002474.3(MYH11):c.4242T>G (p.Ala1414=)

Genes: MYH11 (myosin heavy chain 11; minus strand), NDE1 (nudE neurodevelopment protein 1; plus strand). Cytogenetic location: 16p13.11.
Variant type: single nucleotide variant.
Coding change: c.4242T>G on transcript NM_002474.3 (MANE Select); coding-DNA position 4242, T replaced by G.
Protein change: p.Ala1414=; no amino-acid change (alanine 1414 retained).
Molecular consequence: synonymous variant. On other transcripts: 3 prime UTR variant (2).
Genome position (GRCh38, 1-based): chr16:15,724,284, A>C on the plus strand (T>G on the coding strand, the complement: MYH11 is on the minus strand). VCF-style: chr16-15724284-A-C. GRCh37 (hg19) VCF-style: chr16-15818141-A-C.
Other names: p.A1414A:GCT>GCG; p.Ala1421=; c.4263T>G, p.Ala1421= (NM_001040113.2, NM_001040114.2); c.4242T>G, p.Ala1414= (NM_022844.3); c.*33A>C (NM_001143979.2, NM_017668.3).
Identifiers: ClinVar variation 138342 (VCV000138342.50), dbSNP rs2075511, ClinGen allele CA292304.

ClinVar aggregate classification (germline): Benign. Review status: criteria provided, multiple submitters, no conflicts (2 of 4 stars). 21 submissions from 17 submitters: Benign (18). 3 of the submissions do not count toward it. Last evaluated 2026-02-04.

Conditions:
Cardiovascular phenotype. Identifiers: MedGen CN230736.
Visceral myopathy 2. Identifiers: MedGen C5543466, MONDO:0859157, OMIM 619350.
Megacystis-microcolon-intestinal hypoperistalsis syndrome 2. Identifiers: MedGen C5543476, MONDO:0025708, OMIM 619351.
Lissencephaly 4 (LIS4). Also called: Lissencephaly 4 (with microcephaly). Identifiers: Orphanet 1083, MedGen C3151461, MONDO:0013527, OMIM 614019.
Familial thoracic aortic aneurysm and aortic dissection (TAAD). Also called: Thoracic aortic aneurysms and dissections. Identifiers: Orphanet 91387, MedGen C4707243, MONDO:0019625.
Aortic aneurysm, familial thoracic 4 (AAT4). Also called: AORTIC ANEURYSM/AORTIC DISSECTION AND PATENT DUCTUS ARTERIOSUS. Identifiers: MedGen C1851504, MONDO:0007568, OMIM 132900.

Allele frequency attached by ClinVar (database versions not stated): 1000 Genomes Project 30x 0.40881; 1000 Genomes Project 0.41014; TOPMed 0.45544; gnomAD 0.45713; ESP Exome Variant Server 0.45898.
gnomAD v4.1: 813,490 of 1,613,830 alleles (50%); highest among the groups gnomAD compares: Middle Eastern, 64%; 209,113 homozygotes.

Submissions (21):

Labcorp Genetics (formerly Invitae), Labcorp
Classification: Benign for Aortic aneurysm, familial thoracic 4. Last evaluated: 2026-02-04. Review status: criteria provided, single submitter. Criteria: Invitae Variant Classification Sherloc (09022015). Collection method: clinical testing. Allele origin: germline.

ARUP Laboratories, Molecular Genetics and Genomics, ARUP Laboratories
Classification: Benign. Last evaluated: 2025-07-29. Review status: criteria provided, single submitter. Criteria: ARUP Molecular Germline Variant Investigation Process 2024. Collection method: clinical testing. Allele origin: germline.

Molecular Diagnostic Laboratory for Inherited Cardiovascular Disease, Montreal Heart Institute
Classification: Benign. Last evaluated: 2025-04-09. Review status: criteria provided, single submitter. Criteria: ACMG Guidelines, 2015. Collection method: clinical testing. Allele origin: germline. Affected: no.

Blueprint Genetics
Classification: Benign. Last evaluated: 2024-11-27. Review status: criteria provided, single submitter. Criteria: ACMG Guidelines, 2015. Collection method: clinical testing. Allele origin: germline.

All of Us Research Program, National Institutes of Health
Classification: Benign for Familial thoracic aortic aneurysm and aortic dissection. Last evaluated: 2024-10-03. Review status: criteria provided, single submitter. Criteria: ACMG Guidelines, 2015. Collection method: clinical testing. Allele origin: germline. Inheritance: Autosomal dominant inheritance. Observed: 108,616 variant alleles, 69,890 heterozygotes, 38,703 homozygotes, 23 hemizygotes.
Comment: This study involves interpretation of variants in research participants for the purpose of population health screening. Participant phenotype was not available at the time of variant classification. Additional details can be found in publication PMID: 35346344, PMCID: PMC8962531

Genome-Nilou Lab
Classification: Benign for Aortic aneurysm, familial thoracic 4. Last evaluated: 2021-09-05. Review status: criteria provided, single submitter. Criteria: ACMG Guidelines, 2015. Collection method: clinical testing. Allele origin: germline. Affected: no.

Genome-Nilou Lab
Classification: Benign for Megacystis-microcolon-intestinal hypoperistalsis syndrome 2. Last evaluated: 2021-09-05. Review status: criteria provided, single submitter. Criteria: ACMG Guidelines, 2015. Collection method: clinical testing. Allele origin: germline. Affected: no.

Genome-Nilou Lab
Classification: Benign for Visceral myopathy 2. Last evaluated: 2021-09-05. Review status: criteria provided, single submitter. Criteria: ACMG Guidelines, 2015. Collection method: clinical testing. Allele origin: germline. Affected: no.

Color Diagnostics, LLC DBA Color Health
Classification: Benign for Familial thoracic aortic aneurysm and aortic dissection. Last evaluated: 2018-03-07. Review status: criteria provided, single submitter. Criteria: ACMG Guidelines, 2015. Collection method: clinical testing. Allele origin: germline.

Illumina Laboratory Services, Illumina
Classification: Benign for Aortic aneurysm, familial thoracic 4. Last evaluated: 2018-01-12. Review status: criteria provided, single submitter. Criteria: ICSL Variant Classification Criteria 13 December 2019. Collection method: clinical testing. Allele origin: germline.
Comment: This variant was observed in the ICSL laboratory as part of a predisposition screen in an ostensibly healthy population. It had not been previously curated by ICSL or reported in the Human Gene Mutation Database (HGMD: prior to June 1st, 2018), and was therefore a candidate for classification through an automated scoring system. Utilizing variant allele frequency, disease prevalence and penetrance estimates, and inheritance mode, an automated score was calculated to assess if this variant is too frequent to cause the disease. Based on the score and internal cut-off values, a variant classified as benign is not then subjected to further curation. The score for this variant resulted in a classification of benign for this disease.

Illumina Laboratory Services, Illumina
Classification: Benign for Lissencephaly 4. Last evaluated: 2018-01-12. Review status: criteria provided, single submitter. Criteria: ICSL Variant Classification Criteria 13 December 2019. Collection method: clinical testing. Allele origin: germline.
Comment: the same text as in the submission from Illumina Laboratory Services, Illumina above.

Ambry Genetics
Classification: Benign for Familial thoracic aortic aneurysm and aortic dissection. Last evaluated: 2015-06-19. Review status: criteria provided, single submitter. Criteria: Ambry Autosomal Dominant and X-Linked criteria (10/2015). Collection method: clinical testing. Allele origin: germline. Observed: 1 variant allele.
Comment: General population or subpopulation frequency is too high to be a pathogenic mutation based on disease/syndrome prevalence and penetrance

GeneDx
Classification: Benign. Last evaluated: 2015-03-03. Review status: criteria provided, single submitter. Criteria: GeneDx Variant Classification Process June 2021. Collection method: clinical testing. Allele origin: germline. Affected: yes.

Ambry Genetics
Classification: Benign for Cardiovascular phenotype. Last evaluated: 2014-11-19. Review status: criteria provided, single submitter. Criteria: Ambry Autosomal Dominant and X-Linked criteria (10/2015). Collection method: clinical testing. Allele origin: germline. Observed: 1 variant allele.

Mayo Clinic Laboratories, Mayo Clinic
Classification: Benign. Last evaluated: 2014-02-05. Review status: criteria provided, single submitter. Criteria: ACMG Guidelines, 2015. Collection method: clinical testing. Allele origin: germline. Observed: 1,154 variant alleles.

Laboratory for Molecular Medicine, Mass General Brigham Personalized Medicine
Classification: Benign. Last evaluated: 2013-04-04. Review status: criteria provided, single submitter. Criteria: LMM Criteria. Collection method: clinical testing. Allele origin: germline. Observed: 25 variant alleles.
Comment: Ala1421Ala in exon 32 of MYH11: This variant is not expected to have clinical si gnificance because it does not alter an amino acid residue and is not located wi thin the splice consensus sequence. It has been identified in 46.4% (3990/8600) of European American chromosomes from a broad population by the NHLBI Exome Sequ encing Project (dbSNP rs2075511).

Breakthrough Genomics
Classification: Benign. Review status: criteria provided, single submitter. Criteria: ACMG Guidelines, 2015. Collection method: not provided. Allele origin: germline. Inheritance: Autosomal recessive inheritance. Affected: yes.

PreventionGenetics, part of Exact Sciences
Classification: Benign. Review status: criteria provided, single submitter. Criteria: ACMG Guidelines, 2015. Collection method: clinical testing. Allele origin: germline.

Genome Diagnostics Laboratory, Amsterdam University Medical Center
Classification: Benign for Aortic aneurysm, familial thoracic 4. Last evaluated: 2014-11-19. Review status: no assertion criteria provided. Criteria: ACGS Guidelines, 2013. Collection method: clinical testing. Allele origin: germline. Affected: yes. Study: VKGL Data-share Consensus. Not counted in ClinVar's aggregate classification.

Clinical Genetics DNA and cytogenetics Diagnostics Lab, Erasmus MC, Erasmus Medical Center
Classification: Benign. Review status: no assertion criteria provided. Collection method: clinical testing. Allele origin: germline. Affected: yes. Study: VKGL Data-share Consensus. Not counted in ClinVar's aggregate classification.

Diagnostic Laboratory, Department of Genetics, University Medical Center Groningen
Classification: Benign for Aortic aneurysm, familial thoracic 4. Review status: no assertion criteria provided. Collection method: clinical testing. Allele origin: germline. Affected: yes. Study: VKGL Data-share Consensus. Not counted in ClinVar's aggregate classification.